The following is an entry in ClinVar:

NM_000308.4(CTSA):c.176C>T (p.Ser59Phe)

Gene: CTSA (cathepsin A; plus strand). Cytogenetic location: 20q13.12.
Variant type: single nucleotide variant.
Coding change: c.176C>T on transcript NM_000308.4 (MANE Select); coding-DNA position 176, C replaced by T.
Protein change: p.Ser59Phe; replaces serine 59 with phenylalanine.
Molecular consequence: missense variant. On other transcripts: non-coding transcript variant (1).
Genome position (GRCh38, 1-based): chr20:45,891,744, C>T. VCF-style: chr20-45891744-C-T. GRCh37 (hg19) VCF-style: chr20-44520383-C-T.
Other names: c.176C>T, p.Ser59Phe (NM_001127695.3, NM_001167594.3); short protein forms S59F.
Identifiers: ClinVar variation 2149155 (VCV002149155.2), dbSNP rs774156870, ClinGen allele CA9882945.

ClinVar aggregate classification (germline): Uncertain significance (1 of 4 stars; one submission).

Conditions:
Combined deficiency of sialidase AND beta galactosidase (GSL). Also called: CATHEPSIN A DEFICIENCY; GOLDBERG SYNDROME; Galactosialidosis; NEURAMINIDASE DEFICIENCY WITH BETA-GALACTOSIDASE DEFICIENCY; NEURAMINIDASE/BETA-GALACTOSIDASE EXPRESSION; PPCA DEFICIENCY. Identifiers: Orphanet 351, MedGen C0268233, MONDO:0009737, OMIM 256540.

Allele frequency attached by ClinVar (database versions not stated): ExAC 0.00003.

Submission:

Labcorp Genetics (formerly Invitae), Labcorp
Classification: Uncertain significance for Combined deficiency of sialidase AND beta galactosidase. Last evaluated: 2022-08-19. Review status: criteria provided, single submitter. Criteria: Invitae Variant Classification Sherloc (09022015). Collection method: clinical testing. Allele origin: germline.
Comment: This sequence change replaces serine, which is neutral and polar, with phenylalanine, which is neutral and non-polar, at codon 77 of the CTSA protein (p.Ser77Phe). This variant is present in population databases (rs774156870, gnomAD 0.003%). In summary, the available evidence is currently insufficient to determine the role of this variant in disease. Therefore, it has been classified as a Variant of Uncertain Significance. Algorithms developed to predict the effect of missense changes on protein structure and function are either unavailable or do not agree on the potential impact of this missense change (SIFT: "Not Available"; PolyPhen-2: "Benign"; Align-GVGD: "Not Available"). This variant has not been reported in the literature in individuals affected with CTSA-related conditions.